The following is an entry in ClinVar:

ClinVar aggregate classification (germline): Uncertain significance. Review status: criteria provided, multiple submitters, no conflicts (2 of 4 stars). 2 submissions from 2 submitters: Uncertain significance (2). Last evaluated 2025-07-15.

Conditions:
Inborn genetic diseases. Identifiers: MedGen C0950123, MeSH D030342.

Submissions (2):

Ambry Genetics
Classification: Uncertain significance for Inborn genetic diseases. Last evaluated: 2025-07-15. Review status: criteria provided, single submitter. Criteria: Ambry Variant Classification Scheme 2023. Collection method: clinical testing. Allele origin: germline.

Labcorp Genetics (formerly Invitae), Labcorp
Classification: Uncertain significance. Last evaluated: 2021-08-27. Review status: criteria provided, single submitter. Criteria: Invitae Variant Classification Sherloc (09022015). Collection method: clinical testing. Allele origin: germline.
Comment: The frequency data for this variant in the population databases is considered unreliable, as metrics indicate insufficient coverage at this position in the ExAC database. This variant has not been reported in the literature in individuals affected with COL13A1-related conditions. Algorithms developed to predict the effect of missense changes on protein structure and function are either unavailable or do not agree on the potential impact of this missense change (SIFT: "Deleterious"; PolyPhen-2: "Benign"; Align-GVGD: "Class C0"). In summary, the available evidence is currently insufficient to determine the role of this variant in disease. Therefore, it has been classified as a Variant of Uncertain Significance. This sequence change replaces arginine with cysteine at codon 5 of the COL13A1 protein (p.Arg5Cys). The arginine residue is weakly conserved and there is a large physicochemical difference between arginine and cysteine.

NM_001368882.1(COL13A1):c.13C>T (p.Arg5Cys)

Gene: COL13A1 (collagen type XIII alpha 1 chain; plus strand). Cytogenetic location: 10q22.1.
Variant type: single nucleotide variant.
Coding change: c.13C>T on transcript NM_001368882.1 (MANE Select); coding-DNA position 13, C replaced by T.
Protein change: p.Arg5Cys; replaces arginine 5 with cysteine.
Molecular consequence: missense variant. On other transcripts: 5 prime UTR variant (1).
Genome position (GRCh38, 1-based): chr10:69,802,436, C>T. VCF-style: chr10-69802436-C-T. GRCh37 (hg19) VCF-style: chr10-71562192-C-T.
Other names: c.13C>T (NM_001130103.1); c.13C>T, p.Arg5Cys (NM_001130103.2, NM_001320951.2, NM_001368883.1 and 11 more transcripts); c.-641C>T (NM_001368886.1); short protein forms R5C.
Identifiers: ClinVar variation 1507979 (VCV001507979.7), dbSNP rs1009054845, ClinGen allele CA209356467.